The following is an entry in ClinVar:

NM_002863.5(PYGL):c.1947C>A (p.Tyr649Ter)

Gene: PYGL (glycogen phosphorylase L; minus strand). Cytogenetic location: 14q22.1.
Variant type: single nucleotide variant.
Coding change: c.1947C>A on transcript NM_002863.5 (MANE Select); coding-DNA position 1947, C replaced by A.
Protein change: p.Tyr649Ter; replaces tyrosine 649 with a stop codon.
Molecular consequence: nonsense.
Genome position (GRCh38, 1-based): chr14:50,911,752, G>T on the plus strand (C>A on the coding strand, the complement: PYGL is on the minus strand). VCF-style: chr14-50911752-G-T. GRCh37 (hg19) VCF-style: chr14-51378470-G-T.
Other names: c.1845C>A, p.Tyr615Ter (NM_001163940.2); short protein forms Y649*, Y615*.
Identifiers: ClinVar variation 194626 (VCV000194626.12), dbSNP rs150547274, ClinGen allele CA275031.

ClinVar aggregate classification (germline): Pathogenic/Likely pathogenic. Review status: criteria provided, multiple submitters, no conflicts (2 of 4 stars). 3 submissions from 3 submitters: Pathogenic (2); Likely pathogenic (1). Last evaluated 2023-07-10.

Conditions:
Glycogen storage disease, type VI (GSD6). Also called: HERS DISEASE; PHOSPHORYLASE DEFICIENCY GLYCOGEN-STORAGE DISEASE OF LIVER; Glycogen storage disease type 6; Hepatic glycogen phosphorylase deficiency; Glycogen storage disease type 6, due to phosphorylation; GSD VI. Identifiers: Orphanet 369, MedGen C0017925, MONDO:0009294, OMIM 232700.

Allele frequency attached by ClinVar (database versions not stated): gnomAD exomes 0.00001 and 0.00002; ExAC 0.00002; gnomAD 0.00005; TOPMed 0.00009; ESP Exome Variant Server 0.00023.
gnomAD v4.1: 20 of 1,614,060 alleles (0.0012%); highest among the groups gnomAD compares: African/African-American, 0.024%; no homozygotes.

Submissions (3):

Revvity Omics, Revvity
Classification: Likely pathogenic for Glycogen storage disease, type VI. Last evaluated: 2023-07-10. Review status: criteria provided, single submitter. Criteria: ACMG Guidelines, 2015. Collection method: clinical testing. Allele origin: germline.

Labcorp Genetics (formerly Invitae), Labcorp
Classification: Pathogenic for Glycogen storage disease, type VI. Last evaluated: 2022-11-23. Review status: criteria provided, single submitter. Criteria: Invitae Variant Classification Sherloc (09022015). Collection method: clinical testing. Allele origin: germline.
Comment: For these reasons, this variant has been classified as Pathogenic. ClinVar contains an entry for this variant (Variation ID: 194626). This sequence change creates a premature translational stop signal (p.Tyr649*) in the PYGL gene. It is expected to result in an absent or disrupted protein product. Loss-of-function variants in PYGL are known to be pathogenic (PMID: 9536091, 21646031). This variant is present in population databases (rs150547274, gnomAD 0.02%). This variant has not been reported in the literature in individuals affected with PYGL-related conditions.

Eurofins Ntd Llc (ga)
Classification: Pathogenic. Last evaluated: 2015-04-06. Review status: criteria provided, single submitter. Criteria: EGL Classification Definitions 2015. Collection method: clinical testing. Allele origin: germline. Observed: 1 variant allele, 1 heterozygote.

Literature cited by the submitters: PubMed 9536091 (cited by Labcorp Genetics (formerly Invitae), Labcorp); PubMed 21646031 (cited by Labcorp Genetics (formerly Invitae), Labcorp).